The following is an entry in ClinVar:

ClinVar aggregate classification (germline): Uncertain significance. Review status: criteria provided, multiple submitters, no conflicts (2 of 4 stars). 2 submissions from 2 submitters: Uncertain significance (2). Last evaluated 2021-08-07.

Conditions:
Muscular dystrophy-dystroglycanopathy (congenital with brain and eye anomalies), type A, 7. Also called: WALKER-WARBURG SYNDROME OR MUSCLE-EYE-BRAIN DISEASE, ISPD-RELATED; Congenital muscular dystrophy-dystroglycanopathy with brain and eye anomalies, type A7. Identifiers: Orphanet 899, MedGen C3553330, MONDO:0013835, OMIM 614643.
Autosomal recessive limb-girdle muscular dystrophy type 2U. Also called: Muscular dystrophy-dystroglycanopathy (limb-girdle), type c, 7; MUSCULAR DYSTROPHY, LIMB-GIRDLE, TYPE 2U. Identifiers: Orphanet 352479, MedGen C5190987, MONDO:0014474, OMIM 616052.

gnomAD v4.1: 12 of 1,580,410 alleles (0.00076%); highest among the groups gnomAD compares: African/African-American, 0.013%; no homozygotes.

Submissions (2):

Labcorp Genetics (formerly Invitae), Labcorp
Classification: Uncertain significance for Muscular dystrophy-dystroglycanopathy (congenital with brain and eye anomalies), type A, 7; Autosomal recessive limb-girdle muscular dystrophy type 2U. Last evaluated: 2021-08-07. Review status: criteria provided, single submitter. Criteria: Invitae Variant Classification Sherloc (09022015). Collection method: clinical testing. Allele origin: germline.
Comment: This sequence change replaces glycine with cysteine at codon 299 of the ISPD protein (p.Gly299Cys). The glycine residue is moderately conserved and there is a large physicochemical difference between glycine and cysteine. This variant is not present in population databases (ExAC no frequency). This variant has not been reported in the literature in individuals affected with ISPD-related conditions. Algorithms developed to predict the effect of missense changes on protein structure and function are either unavailable or do not agree on the potential impact of this missense change (SIFT: "Deleterious"; PolyPhen-2: "Possibly Damaging"; Align-GVGD: "Class C0"). In summary, the available evidence is currently insufficient to determine the role of this variant in disease. Therefore, it has been classified as a Variant of Uncertain Significance.

Ambry Genetics
Classification: Uncertain significance. Last evaluated: 2021-08-02. Review status: criteria provided, single submitter. Criteria: Ambry Variant Classification Scheme 2023. Collection method: clinical testing. Allele origin: germline.

NM_001101426.4(CRPPA):c.895G>T (p.Gly299Cys)

Gene: CRPPA (CDP-L-ribitol pyrophosphorylase A; minus strand). Cytogenetic location: 7p21.2.
Variant type: single nucleotide variant.
Coding change: c.895G>T on transcript NM_001101426.4 (MANE Select); coding-DNA position 895, G replaced by T.
Protein change: p.Gly299Cys; replaces glycine 299 with cysteine.
Molecular consequence: missense variant. On other transcripts: non-coding transcript variant (1).
Genome position (GRCh38, 1-based): chr7:16,278,167, C>A on the plus strand (G>T on the coding strand, the complement: CRPPA is on the minus strand). VCF-style: chr7-16278167-C-A. GRCh37 (hg19) VCF-style: chr7-16317792-C-A.
Other names: c.895G>T (NM_001101426.3); c.745G>T, p.Gly249Cys (NM_001101417.4); c.790G>T, p.Gly264Cys (NM_001368197.1); short protein forms G249C, G264C, G299C.
Identifiers: ClinVar variation 1680764 (VCV001680764.4), dbSNP rs373890080, ClinGen allele CA154748085.